The following is an entry in ClinVar:

NM_000264.5(PTCH1):c.3295C>A (p.His1099Asn)

Gene: PTCH1 (patched 1; minus strand). Cytogenetic location: 9q22.32.
Variant type: single nucleotide variant.
Coding change: c.3295C>A on transcript NM_000264.5 (MANE Select); coding-DNA position 3295, C replaced by A.
Protein change: p.His1099Asn; replaces histidine 1099 with asparagine.
Molecular consequence: missense variant. On other transcripts: non-coding transcript variant (1).
Genome position (GRCh38, 1-based): chr9:95,456,287, G>T on the plus strand (C>A on the coding strand, the complement: PTCH1 is on the minus strand). VCF-style: chr9-95456287-G-T. GRCh37 (hg19) VCF-style: chr9-98218569-G-T.
Other names: c.3097C>A, p.His1033Asn (NM_001083602.3); c.3292C>A, p.His1098Asn (NM_001083603.3); c.2842C>A, p.His948Asn (NM_001083604.3, NM_001083605.3, NM_001083606.3 and 1 more transcripts); c.3139C>A, p.His1047Asn (NM_001354918.2); short protein forms H1033N, H1047N, H1098N, H1099N, H948N.
Identifiers: ClinVar variation 4862697 (VCV004862697.1).

ClinVar aggregate classification (germline): Uncertain significance (1 of 4 stars; one submission).

Conditions:
Hereditary cancer-predisposing syndrome. Also called: Neoplastic Syndromes, Hereditary; Tumor predisposition; Hereditary Cancer Syndrome; Hereditary neoplastic syndrome. Identifiers: Orphanet 140162, MedGen C0027672, MeSH D009386, MONDO:0015356.

Submission:

Ambry Genetics
Classification: Uncertain significance for Hereditary cancer-predisposing syndrome. Last evaluated: 2026-05-19. Review status: criteria provided, single submitter. Criteria: Ambry Variant Classification Scheme 2023. Collection method: clinical testing. Allele origin: germline.
Comment: The p.H1099N variant (also known as c.3295C>A), located in coding exon 19 of the PTCH1 gene, results from a C to A substitution at nucleotide position 3295. The histidine at codon 1099 is replaced by asparagine, an amino acid with similar properties. This amino acid position is conserved. In addition, this alteration is predicted to be deleterious by in silico analysis. Based on the available evidence, the clinical significance of this variant remains unclear.